The following is an entry in ClinVar:

ClinVar aggregate classification (germline): Pathogenic. Review status: reviewed by expert panel (3 of 4 stars). 3 submissions from 3 submitters: Pathogenic (1). 2 of the submissions do not count toward it. Last evaluated 2016-10-18.

Conditions:
Breast-ovarian cancer, familial, susceptibility to, 2 (BROVCA2). Also called: BRCA2 Hereditary Breast and Ovarian Cancer. Identifiers: Orphanet 145, MedGen C2675520, MONDO:0012933, OMIM 612555. Disease mechanism: loss of function.

Submissions (3):

Evidence-based Network for the Interpretation of Germline Mutant Alleles (ENIGMA)
Classification: Pathogenic for Breast-ovarian cancer, familial, susceptibility to, 2. Last evaluated: 2016-10-18. Review status: reviewed by expert panel. Criteria: ENIGMA BRCA1/2 Classification Criteria (2015). Collection method: curation. Allele origin: germline.
Comment: Variant allele predicted to encode a truncated non-functional protein.

Clinical Genetics and Genomics, Karolinska University Hospital
Classification: Pathogenic. Last evaluated: 2017-02-15. Review status: criteria provided, single submitter. Criteria: ACMG Guidelines, 2015. Collection method: clinical testing. Allele origin: germline. Affected: yes. Observed: 1 variant allele. Not counted in ClinVar's aggregate classification.

BRCAlab, Lund University
Classification: Pathogenic for Breast-ovarian cancer, familial, susceptibility to, 2. Last evaluated: 2020-03-02. Review status: no assertion criteria provided. Collection method: clinical testing. Allele origin: germline. Affected: yes. Not counted in ClinVar's aggregate classification.

NM_000059.4(BRCA2):c.743del (p.Ala248fs)

Gene: BRCA2 (BRCA2 DNA repair associated; plus strand). Cytogenetic location: 13q13.1.
Variant type: Deletion.
Coding change: c.743del on transcript NM_000059.4 (MANE Select); coding-DNA position 743, one base deleted (C; older notation c.743delC).
Protein change: p.Ala248fs; shifts the reading frame from alanine 248.
Molecular consequence: frameshift variant.
Genome position (GRCh38, 1-based): chr13:32,330,980, C deleted. VCF-style (leftmost placement, unchanged base first): chr13-32330979-GC-G. GRCh37 (hg19) VCF-style: chr13-32905116-GC-G.
Other names: 971delC; short protein forms A248fs.
Identifiers: ClinVar variation 267011 (VCV000267011.5), dbSNP rs886040708, ClinGen allele CA10589049.